The following is an entry in ClinVar:

ClinVar aggregate classification (germline): Uncertain significance (1 of 4 stars; one submission).

Allele frequency attached by ClinVar (database versions not stated): gnomAD exomes 0.00001.
gnomAD v4.1: 11 of 1,613,192 alleles (0.00068%); highest among the groups gnomAD compares: Admixed American, 0.005%; no homozygotes.

Submission:

Labcorp Genetics (formerly Invitae), Labcorp
Classification: Uncertain significance. Last evaluated: 2025-12-24. Review status: criteria provided, single submitter. Criteria: Invitae Variant Classification Sherloc (09022015). Collection method: clinical testing. Allele origin: germline.
Comment: This sequence change replaces arginine, which is basic and polar, with glutamine, which is neutral and polar, at codon 557 of the OPA1 protein (p.Arg557Gln). This variant is present in population databases (no rsID available, gnomAD 0.009%). This missense change has been observed in individual(s) with clinical features of autosomal dominant OPA1-related conditions (PMID: 24825108). This variant is also known as c.1781G>A (p.R594Q), c.1835G>A (p.Arg612Gln). ClinVar contains an entry for this variant (Variation ID: 2203485). Invitae Evidence Modeling of protein sequence and biophysical properties (such as structural, functional, and spatial information, amino acid conservation, physicochemical variation, residue mobility, and thermodynamic stability) indicates that this missense variant is not expected to disrupt OPA1 protein function with a negative predictive value of 80%. In summary, the available evidence is currently insufficient to determine the role of this variant in disease. Therefore, it has been classified as a Variant of Uncertain Significance.

Literature cited by the submitters: PubMed 24825108.

NM_130837.3(OPA1):c.1835G>A (p.Arg612Gln)

Genes: OPA1 (OPA1 mitochondrial dynamin like GTPase; plus strand), LOC126806913 (BRD4-independent group 4 enhancer GRCh37_chr3:193364377-193365576; plus strand). Cytogenetic location: 3q29.
Variant type: single nucleotide variant.
Coding change: c.1835G>A on transcript NM_130837.3 (MANE Select); coding-DNA position 1835, G replaced by A.
Protein change: p.Arg612Gln; replaces arginine 612 with glutamine.
Molecular consequence: missense variant.
Genome position (GRCh38, 1-based): chr3:193,647,145, G>A. VCF-style: chr3-193647145-G-A. GRCh37 (hg19) VCF-style: chr3-193364934-G-A.
Other names: c.1301G>A, p.Arg434Gln (NM_001354663.2); c.1298G>A, p.Arg433Gln (NM_001354664.2); c.1670G>A, p.Arg557Gln (NM_015560.3); c.1562G>A, p.Arg521Gln (NM_130831.3); c.1616G>A, p.Arg539Gln (NM_130832.3); c.1673G>A, p.Arg558Gln (NM_130833.3); c.1724G>A, p.Arg575Gln (NM_130834.3); c.1727G>A, p.Arg576Gln (NM_130835.3); and 1 more; short protein forms R539Q, R434Q, R576Q, R612Q, R521Q, R558Q, R575Q, R433Q.
Identifiers: ClinVar variation 2203485 (VCV002203485.4), dbSNP rs1438303929, ClinGen allele CA355790525.